The following is an entry in ClinVar:

ClinVar aggregate classification (germline): Uncertain significance (1 of 4 stars; one submission).

Conditions:
Leigh syndrome (NULS). Also called: Leigh's necrotizing encephalopathy; Leigh's disease; Leigh Syndrome (mtDNA deletion); Leigh Disease; Subacute necrotizing encephalopathy; Necrotizing encephalopathy infantile subacute of Leigh. Identifiers: Orphanet 506, MedGen C2931891, MONDO:0009723, OMIM 256000.

Submission:

Wong Mito Lab, Molecular and Human Genetics, Baylor College of Medicine
Classification: Uncertain significance for Leigh syndrome. Last evaluated: 2019-10-17. Review status: criteria provided, single submitter. Criteria: Modified ACMG Guidelines (Unpublished). Collection method: clinical testing. Allele origin: germline.
Comment: The NC_012920.1:m.11711G>A (YP_003024035.1:p.Ala318Thr) variant in MTND4 gene is interpretated to be a Uncertain Significance variant based on the modified ACMG guidelines (unpublished). This variant meets the following evidence codes: PP3, PP7

NC_012920.1(MT-ND4):m.11711G>A

Gene: MT-ND4 (mitochondrially encoded NADH dehydrogenase 4; plus strand).
Variant type: single nucleotide variant.
Genome position: chrM-11711-G-A.
Identifiers: ClinVar variation 693377 (VCV000693377.1), dbSNP rs1603223391, ClinGen allele CA414810788.